The following is an entry in ClinVar:

ClinVar aggregate classification (germline): Uncertain significance. Review status: criteria provided, multiple submitters, no conflicts (2 of 4 stars). 2 submissions from 2 submitters: Uncertain significance (2). Last evaluated 2026-08-14.

Conditions:
Mitochondrial complex II deficiency, nuclear type 1. Also called: SUCCINATE CoQ REDUCTASE DEFICIENCY. Identifiers: Orphanet 3208, MedGen C5700310, MONDO:0100294, OMIM 252011.
Pheochromocytoma/paraganglioma syndrome 5. Also called: Paragangliomas 5; SDHA-Related Hereditary Paraganglioma-Pheochromocytoma Syndrome. Identifiers: Orphanet 29072, MedGen C3279992, MONDO:0013602, OMIM 614165.
Hereditary cancer-predisposing syndrome. Also called: Neoplastic Syndromes, Hereditary; Hereditary Cancer Syndrome; Tumor predisposition; Hereditary neoplastic syndrome. Identifiers: Orphanet 140162, MedGen C0027672, MeSH D009386, MONDO:0015356.

Submissions (2):

Ambry Genetics
Classification: Uncertain significance for Hereditary cancer-predisposing syndrome. Last evaluated: 2026-08-14. Review status: criteria provided, single submitter. Criteria: Ambry Variant Classification Scheme 2023. Collection method: clinical testing. Allele origin: germline.
Comment: The p.E491K variant (also known as c.1471G>A), located in coding exon 11 of the SDHA gene, results from a G to A substitution at nucleotide position 1471. The glutamic acid at codon 491 is replaced by lysine, an amino acid with similar properties. This amino acid position is conserved. In addition, the in silico prediction for this alteration is inconclusive. Based on the available evidence, the clinical significance of this variant remains unclear.

Labcorp Genetics (formerly Invitae), Labcorp
Classification: Uncertain significance for Pheochromocytoma/paraganglioma syndrome 5; Mitochondrial complex II deficiency, nuclear type 1. Last evaluated: 2024-07-27. Review status: criteria provided, single submitter. Criteria: Invitae Variant Classification Sherloc (09022015). Collection method: clinical testing. Allele origin: germline.
Comment: This sequence change replaces glutamic acid, which is acidic and polar, with lysine, which is basic and polar, at codon 491 of the SDHA protein (p.Glu491Lys). This variant is not present in population databases (gnomAD no frequency). This variant has not been reported in the literature in individuals affected with SDHA-related conditions. ClinVar contains an entry for this variant (Variation ID: 952523). Advanced modeling of protein sequence and biophysical properties (such as structural, functional, and spatial information, amino acid conservation, physicochemical variation, residue mobility, and thermodynamic stability) performed at Invitae indicates that this missense variant is not expected to disrupt SDHA protein function with a negative predictive value of 95%. In summary, the available evidence is currently insufficient to determine the role of this variant in disease. Therefore, it has been classified as a Variant of Uncertain Significance.

NM_004168.4(SDHA):c.1471G>A (p.Glu491Lys)

Gene: SDHA (succinate dehydrogenase complex flavoprotein subunit A; plus strand). Cytogenetic location: 5p15.33.
Variant type: single nucleotide variant.
Coding change: c.1471G>A on transcript NM_004168.4 (MANE Select); coding-DNA position 1471, G replaced by A.
Protein change: p.Glu491Lys; replaces glutamic acid 491 with lysine.
Molecular consequence: missense variant.
Genome position (GRCh38, 1-based): chr5:240,396, G>A. VCF-style: chr5-240396-G-A. GRCh37 (hg19) VCF-style: chr5-240511-G-A.
Other names: c.1327G>A, p.Glu443Lys (NM_001294332.2); c.1471G>A, p.Glu491Lys (NM_001330758.2); c.1471G>A (NM_004168.2); short protein forms E443K, E491K.
Identifiers: ClinVar variation 952523 (VCV000952523.11), dbSNP rs778207102, ClinGen allele CA359014237.